The following is an entry in ClinVar:

NM_144585.4(SLC22A12):c.947C>A (p.Thr316Asn)

Gene: SLC22A12 (solute carrier family 22 member 12; plus strand). Cytogenetic location: 11q13.1.
Variant type: single nucleotide variant.
Coding change: c.947C>A on transcript NM_144585.4 (MANE Select); coding-DNA position 947, C replaced by A.
Protein change: p.Thr316Asn; replaces threonine 316 with asparagine.
Molecular consequence: missense variant.
Genome position (GRCh38, 1-based): chr11:64,598,632, C>A. VCF-style: chr11-64598632-C-A. GRCh37 (hg19) VCF-style: chr11-64366104-C-A.
Other names: c.845C>A, p.Thr282Asn (NM_001276326.2); c.623C>A, p.Thr208Asn (NM_001276327.2); c.284C>A, p.Thr95Asn (NM_153378.3); short protein forms T316N, T95N, T208N, T282N.
Identifiers: ClinVar variation 2192023 (VCV002192023.4), dbSNP rs1352186754, ClinGen allele CA381126371.

ClinVar aggregate classification (germline): Uncertain significance (1 of 4 stars; one submission).

Allele frequency attached by ClinVar (database versions not stated): gnomAD exomes below 0.00001; gnomAD 0.00001.
gnomAD v4.1: 3 of 1,610,572 alleles (0.00019%); highest among the groups gnomAD compares: South Asian, 0.0022%; no homozygotes.

Submission:

Labcorp Genetics (formerly Invitae), Labcorp
Classification: Uncertain significance. Last evaluated: 2022-08-19. Review status: criteria provided, single submitter. Criteria: Invitae Variant Classification Sherloc (09022015). Collection method: clinical testing. Allele origin: germline.
Comment: This sequence change replaces threonine, which is neutral and polar, with asparagine, which is neutral and polar, at codon 316 of the SLC22A12 protein (p.Thr316Asn). This variant is not present in population databases (gnomAD no frequency). This variant has not been reported in the literature in individuals affected with SLC22A12-related conditions. Algorithms developed to predict the effect of missense changes on protein structure and function are either unavailable or do not agree on the potential impact of this missense change (SIFT: "Tolerated"; PolyPhen-2: "Probably Damaging"; Align-GVGD: "Class C0"). In summary, the available evidence is currently insufficient to determine the role of this variant in disease. Therefore, it has been classified as a Variant of Uncertain Significance.